The following is an entry in ClinVar:

ClinVar aggregate classification (germline): Uncertain significance. Review status: criteria provided, multiple submitters, no conflicts (2 of 4 stars). 2 submissions from 2 submitters: Uncertain significance (2). Last evaluated 2021-12-02.

Conditions:
Developmental and epileptic encephalopathy. Identifiers: MedGen C5779964, MONDO:0100620.

Allele frequency attached by ClinVar (database versions not stated): gnomAD exomes below 0.00001; TOPMed below 0.00001; ExAC 0.00001; gnomAD 0.00001; ESP Exome Variant Server 0.00008.
gnomAD v4.1: 2 of 1,613,310 alleles (0.00012%); highest among the groups gnomAD compares: African/African-American, 0.0013%; no homozygotes.

Submissions (2):

Labcorp Genetics (formerly Invitae), Labcorp
Classification: Uncertain significance for Early-infantile DEE. Last evaluated: 2021-12-02. Review status: criteria provided, single submitter. Criteria: Invitae Variant Classification Sherloc (09022015). Collection method: clinical testing. Allele origin: germline.
Comment: This sequence change replaces leucine, which is neutral and non-polar, with valine, which is neutral and non-polar, at codon 103 of the SLC25A22 protein (p.Leu103Val). This variant is present in population databases (rs370392070, gnomAD 0.003%). This variant has not been reported in the literature in individuals affected with SLC25A22-related conditions. ClinVar contains an entry for this variant (Variation ID: 207165). Algorithms developed to predict the effect of missense changes on protein structure and function (SIFT, PolyPhen-2, Align-GVGD) all suggest that this variant is likely to be tolerated. In summary, the available evidence is currently insufficient to determine the role of this variant in disease. Therefore, it has been classified as a Variant of Uncertain Significance.

GeneDx
Classification: Uncertain significance. Last evaluated: 2014-03-13. Review status: criteria provided, single submitter. Criteria: GeneDx Variant Classification (06012015). Collection method: clinical testing. Allele origin: germline. Affected: yes.
Comment: p.Leu103Val (CTG>GTG): c.307 C>G in exon 6 of the SLC25A22 gene (NM_024698.5). The L103V variant has not been published as a mutation, nor has it been reported as a benign polymorphism to our knowledge. The L103V variant was not observed with any significant frequency in approximately 6,500 individuals of European and African American ancestry in the NHLBI Exome Sequencing Project. The L103V variant is a conservative amino acid substitution, which is not likely to impact secondary protein structure as these residues share similar properties. This substitution occurs at a position between transmembrane domains 2 and 3 that is not conserved across species. No missense mutations in nearby residues have been reported. In silico analysis is inconsistent in its predictions as to whether or not the variant is damaging to the protein structure/function. Therefore, based on the currently available information, it is unclear whether this variant is a pathogenic mutation or a rare benign variant. The variant is found in EPILEPSY panel(s).

NM_001191061.2(SLC25A22):c.307C>G (p.Leu103Val)

Gene: SLC25A22 (solute carrier family 25 member 22; minus strand). Cytogenetic location: 11p15.5.
Variant type: single nucleotide variant.
Coding change: c.307C>G on transcript NM_001191061.2 (MANE Select); coding-DNA position 307, C replaced by G.
Protein change: p.Leu103Val; replaces leucine 103 with valine.
Molecular consequence: missense variant.
Genome position (GRCh38, 1-based): chr11:792,975, G>C on the plus strand (C>G on the coding strand, the complement: SLC25A22 is on the minus strand). VCF-style: chr11-792975-G-C. GRCh37 (hg19) VCF-style: chr11-792975-G-C.
Other names: p.L103V:CTG>GTG; c.307C>G, p.Leu103Val (NM_001191060.2, NM_024698.6); short protein forms L103V.
Identifiers: ClinVar variation 207165 (VCV000207165.8), dbSNP rs370392070, ClinGen allele CA318373.